The following is an entry in ClinVar:

NM_002660.3(PLCG1):c.2553C>T (p.Asn851=)

Gene: PLCG1 (phospholipase C gamma 1; plus strand). Cytogenetic location: 20q12.
Variant type: single nucleotide variant.
Coding change: c.2553C>T on transcript NM_002660.3 (MANE Select); coding-DNA position 2553, C replaced by T.
Protein change: p.Asn851=; no amino-acid change (asparagine 851 retained).
Molecular consequence: synonymous variant.
Genome position (GRCh38, 1-based): chr20:41,169,148, C>T. VCF-style: chr20-41169148-C-T. GRCh37 (hg19) VCF-style: chr20-39797788-C-T.
Other names: c.2553C>T, p.Asn851= (NM_182811.2).
Identifiers: ClinVar variation 713391 (VCV000713391.5), dbSNP rs34012203, ClinGen allele CA9859190.
Genomic context (GRCh38, chr20:41,169,148, plus strand): 5'-GGACTACGGAGGGAAGAAGCAGCTGTGGTTCCCATCAAACTACGTGGAAGAGATGGTCAA[C>T]CCCGTGGCCCTGGAGCCGGAGAGGGAGGTAAGACCAGAACCACCTGAGTAACAGCATTCC-3'
Protein context (NP_002651.2, residues 841-861): FPSNYVEEMV[Asn851=]PVALEPEREH

ClinVar aggregate classification (germline): Benign/Likely benign. Review status: criteria provided, multiple submitters, no conflicts (2 of 4 stars). 3 submissions from 3 submitters: Benign (2); Likely benign (1). Last evaluated 2026-07-13.

Conditions:
PLCG1-related disorder. Also called: PLCG1-related condition.

Allele frequency attached by ClinVar (database versions not stated): 1000 Genomes Project 0.00120; 1000 Genomes Project 30x 0.00141; ESP Exome Variant Server 0.00354; gnomAD exomes 0.00383 and 0.00532; ExAC 0.00404; TOPMed 0.00426; gnomAD 0.00435 and 0.00453.
gnomAD v4.1: 8,380 of 1,613,556 alleles (0.52%); highest among the groups gnomAD compares: Non-Finnish European, 0.64%; 31 homozygotes.

Submissions (3):

PreventionGenetics, part of Exact Sciences
Classification: Likely benign for PLCG1-related condition. Last evaluated: 2026-07-13. Review status: criteria provided, single submitter. Criteria: ACMG Guidelines, 2015. Collection method: clinical testing. Allele origin: germline.
Comment: This variant is classified as likely benign based on ACMG/AMP sequence variant interpretation guidelines (Richards et al. 2015 PMID: 25741868, with internal and published modifications).

Labcorp Genetics (formerly Invitae), Labcorp
Classification: Benign. Last evaluated: 2018-12-13. Review status: criteria provided, single submitter. Criteria: Invitae Variant Classification Sherloc (09022015). Collection method: clinical testing. Allele origin: germline.

Breakthrough Genomics
Classification: Benign. Review status: criteria provided, single submitter. Criteria: ACMG Guidelines, 2015. Collection method: not provided. Allele origin: germline. Inheritance: Unknown mechanism. Affected: yes.